The following is an entry in ClinVar:

NM_001035.3(RYR2):c.13088T>C (p.Leu4363Pro)

Genes: RYR2 (ryanodine receptor 2; plus strand), LOC126806068 (BRD4-independent group 4 enhancer GRCh37_chr1:237947411-237948610; plus strand). Cytogenetic location: 1q43.
Variant type: single nucleotide variant.
Coding change: c.13088T>C on transcript NM_001035.3 (MANE Select); coding-DNA position 13088, T replaced by C.
Protein change: p.Leu4363Pro; replaces leucine 4363 with proline.
Molecular consequence: missense variant.
Genome position (GRCh38, 1-based): chr1:237,784,800, T>C. VCF-style: chr1-237784800-T-C. GRCh37 (hg19) VCF-style: chr1-237948100-T-C.
Other names: short protein forms L4363P.
Identifiers: ClinVar variation 945920 (VCV000945920.14), dbSNP rs762239413, ClinGen allele CA066931.
Genomic context (GRCh38, chr1:237,784,800, plus strand): 5'-GAGGAGATGGGGAGGAGGGAGAGAGGAAACCCCTGGAAGCCGCCCTGCCCTCCGAGGATC[T>C]GACCGACTTAAAGGAGCTGACAGAGGAAAGTGACCTTCTTTCGGACATCTTTGGCCTGGA-3'
Protein context (NP_001026.2, residues 4353-4373): PLEAALPSED[Leu4363Pro]TDLKELTEES

ClinVar aggregate classification (germline): Uncertain significance. Review status: criteria provided, multiple submitters, no conflicts (2 of 4 stars). 3 submissions from 3 submitters: Uncertain significance (3). Last evaluated 2024-03-07.

Conditions:
Cardiomyopathy (CMYO). Also called: Cardiomyopathies. Identifiers: Orphanet 167848, MedGen C0878544, MONDO:0004994, HP:0001638. Inheritance: Various modes of inheritance.
Catecholaminergic polymorphic ventricular tachycardia 1. Also called: VENTRICULAR TACHYCARDIA, CATECHOLAMINERGIC POLYMORPHIC, 1, WITH OR WITHOUT ATRIAL DYSFUNCTION AND/OR DILATED CARDIOMYOPATHY; VENTRICULAR TACHYCARDIA, STRESS-INDUCED POLYMORPHIC 1; RYR2-Related Catecholaminergic Polymorphic Ventricular Tachycardia. Identifiers: Orphanet 3286, MedGen C1631597, MONDO:0011484, OMIM 604772.
Catecholaminergic polymorphic ventricular tachycardia (CVPT). Also called: Catecholamine-induced polymorphic ventricular tachycardia. Identifiers: Orphanet 3286, MedGen C5574922, MONDO:0017990.

Allele frequency attached by ClinVar (database versions not stated): gnomAD exomes below 0.00001 and 0.00001; ExAC 0.00001.
gnomAD v4.1: 2 of 1,611,998 alleles (0.00012%); highest among the groups gnomAD compares: Non-Finnish European, 0.00017%; no homozygotes.

Submissions (3):

Color Diagnostics, LLC DBA Color Health
Classification: Uncertain significance for Cardiomyopathy. Last evaluated: 2024-03-07. Review status: criteria provided, single submitter. Criteria: ACMG Guidelines, 2015. Collection method: clinical testing. Allele origin: germline.
Comment: This missense variant replaces leucine with proline at codon 4363 of the RYR2 protein. Computational prediction is inconclusive regarding the impact of this variant on protein structure and function (internally defined REVEL score threshold 0.5 < inconclusive < 0.7, PMID: 27666373). To our knowledge, functional studies have not been reported for this variant. This variant has not been reported in individuals affected with cardiovascular disorders in the literature. This variant has been identified in 2/247922 chromosomes in the general population by the Genome Aggregation Database (gnomAD). The available evidence is insufficient to determine the role of this variant in disease conclusively. Therefore, this variant is classified as a Variant of Uncertain Significance.

Labcorp Genetics (formerly Invitae), Labcorp
Classification: Uncertain significance for Catecholaminergic polymorphic ventricular tachycardia 1. Last evaluated: 2023-10-11. Review status: criteria provided, single submitter. Criteria: Invitae Variant Classification Sherloc (09022015). Collection method: clinical testing. Allele origin: germline.
Comment: This sequence change replaces leucine, which is neutral and non-polar, with proline, which is neutral and non-polar, at codon 4363 of the RYR2 protein (p.Leu4363Pro). This variant is present in population databases (rs762239413, gnomAD 0.002%). This missense change has been observed in individual(s) with clinical features of RYR2-related conditions (Invitae). ClinVar contains an entry for this variant (Variation ID: 945920). Advanced modeling of protein sequence and biophysical properties (such as structural, functional, and spatial information, amino acid conservation, physicochemical variation, residue mobility, and thermodynamic stability) has been performed at Invitae for this missense variant, however the output from this modeling did not meet the statistical confidence thresholds required to predict the impact of this variant on RYR2 protein function. In summary, the available evidence is currently insufficient to determine the role of this variant in disease. Therefore, it has been classified as a Variant of Uncertain Significance.

All of Us Research Program, National Institutes of Health
Classification: Uncertain significance for Catecholaminergic polymorphic ventricular tachycardia. Last evaluated: 2023-06-28. Review status: criteria provided, single submitter. Criteria: ACMG Guidelines, 2015. Collection method: clinical testing. Allele origin: germline. Inheritance: Autosomal dominant inheritance. Observed: 1 variant allele, 1 heterozygote.
Comment: This missense variant replaces leucine with proline at codon 4363 of the RYR2 protein. Computational prediction is inconclusive regarding the impact of this variant on protein structure and function (internally defined REVEL score threshold 0.5 < inconclusive < 0.7, PMID: 27666373). To our knowledge, functional studies have not been reported for this variant. This variant has not been reported in individuals affected with cardiovascular disorders in the literature. This variant has been identified in 2/247922 chromosomes in the general population by the Genome Aggregation Database (gnomAD). The available evidence is insufficient to determine the role of this variant in disease conclusively. Therefore, this variant is classified as a Variant of Uncertain Significance.

This study involves interpretation of variants in research participants for the purpose of population health screening. Participant phenotype was not available at the time of variant classification. Additional details can be found in publication PMID: 35346344, PMCID: PMC8962531